The following is an entry in ClinVar:

NM_012154.5(AGO2):c.349G>T (p.Val117Phe)

Gene: AGO2 (argonaute RISC catalytic component 2; minus strand). Cytogenetic location: 8q24.3.
Variant type: single nucleotide variant.
Coding change: c.349G>T on transcript NM_012154.5 (MANE Select); coding-DNA position 349, G replaced by T.
Protein change: p.Val117Phe; replaces valine 117 with phenylalanine.
Molecular consequence: missense variant.
Genome position (GRCh38, 1-based): chr8:140,562,622, C>A on the plus strand (G>T on the coding strand, the complement: AGO2 is on the minus strand). VCF-style: chr8-140562622-C-A. GRCh37 (hg19) VCF-style: chr8-141572721-C-A.
Other names: c.349G>T, p.Val117Phe (NM_001164623.3); short protein forms V117F.
Identifiers: ClinVar variation 1425382 (VCV001425382.6), dbSNP rs1345869518, ClinGen allele CA372324895.
Genomic context (GRCh38, chr8:140,562,622, plus strand): 5'-AGGACACCCACTTGATGGACACCTTGAAGATGCGATCCTTGCCTTCTCCTGGCAGCGTGA[C>A]CTCCAGCTCCACCTGCGAGGATCCAAGGCACACAAGGTTACTCCCTCCTGCGAAGCCCCA-3'
Protein context (NP_036286.2, residues 107-127): PIGRDKVELE[Val117Phe]TLPGEGKDRI

ClinVar aggregate classification (germline): Uncertain significance (1 of 4 stars; one submission).

Submission:

Labcorp Genetics (formerly Invitae), Labcorp
Classification: Uncertain significance. Last evaluated: 2023-12-02. Review status: criteria provided, single submitter. Criteria: Invitae Variant Classification Sherloc (09022015). Collection method: clinical testing. Allele origin: germline.
Comment: This sequence change replaces valine, which is neutral and non-polar, with phenylalanine, which is neutral and non-polar, at codon 117 of the AGO2 protein (p.Val117Phe). This variant is not present in population databases (gnomAD no frequency). This variant has not been reported in the literature in individuals affected with AGO2-related conditions. ClinVar contains an entry for this variant (Variation ID: 1425382). An algorithm developed to predict the effect of missense changes on protein structure and function (PolyPhen-2) suggests that this variant is likely to be disruptive. In summary, the available evidence is currently insufficient to determine the role of this variant in disease. Therefore, it has been classified as a Variant of Uncertain Significance.